The following is an entry in ClinVar:

ClinVar aggregate classification (germline): Likely benign (1 of 4 stars; one submission).

Submission:

CeGaT Center for Human Genetics Tuebingen
Classification: Likely benign. Last evaluated: 2023-08-01. Review status: criteria provided, single submitter. Criteria: CeGaT Center For Human Genetics Tuebingen Variant Classification Criteria Version 2. Collection method: clinical testing. Allele origin: germline. Affected: yes. Observed: 1 variant allele.
Comment: TTN: PM2:Supporting, BP4, BP7

NM_001267550.2(TTN):c.72975A>C (p.Gly24325=)

Genes: TTN (titin; minus strand), TTN-AS1 (TTN antisense RNA 1; plus strand). Cytogenetic location: 2q31.2.
Variant type: single nucleotide variant.
Coding change: c.72975A>C on transcript NM_001267550.2 (MANE Select); coding-DNA position 72975, A replaced by C.
Protein change: p.Gly24325=; no amino-acid change (glycine 24325 retained).
Molecular consequence: synonymous variant.
Genome position (GRCh38, 1-based): chr2:178,573,157, T>G on the plus strand (A>C on the coding strand, the complement: TTN is on the minus strand). VCF-style: chr2-178573157-T-G. GRCh37 (hg19) VCF-style: chr2-179437884-T-G.
Other names: c.68052A>C, p.Gly22684= (NM_001256850.1); c.45780A>C, p.Gly15260= (NM_003319.4); c.65271A>C, p.Gly21757= (NM_133378.4); c.46155A>C, p.Gly15385= (NM_133432.3); c.46356A>C, p.Gly15452= (NM_133437.4).
Identifiers: ClinVar variation 2578881 (VCV002578881.25), dbSNP rs2468572198, ClinGen allele CA430256599.